The following is an entry in ClinVar:

NM_000260.4(MYO7A):c.473_475del (p.Gly158del)

Gene: MYO7A (myosin VIIA; plus strand). Cytogenetic location: 11q13.5.
Variant type: Deletion.
Coding change: c.473_475del on transcript NM_000260.4 (MANE Select); coding-DNA positions 473 to 475, 3 bases deleted (GGG; older notation c.473_475delGGG).
Protein change: p.Gly158del; deletes glycine 158.
Molecular consequence: inframe deletion.
Genome position (GRCh38, 1-based): chr11:77,156,662-77,156,664, GGG deleted; deleting any 3 consecutive bases within chr11:77,156,661-77,156,664 gives the same sequence; the c. name uses the placement nearest the transcript's 3' end. VCF-style (leftmost placement, unchanged base first): chr11-77156660-TGGG-T. GRCh37 (hg19) VCF-style: chr11-76867706-TGGG-T.
Other names: c.473_475del, p.Gly158del (NM_001127180.2); c.440_442del, p.Gly147del (NM_001369365.1); short protein forms G147del, G158del.
Identifiers: ClinVar variation 1923927 (VCV001923927.2), dbSNP rs1431594890, ClinGen allele CA680363043.

ClinVar aggregate classification (germline): Uncertain significance (1 of 4 stars; one submission).

Submission:

Labcorp Genetics (formerly Invitae), Labcorp
Classification: Uncertain significance. Last evaluated: 2021-09-02. Review status: criteria provided, single submitter. Criteria: Invitae Variant Classification Sherloc (09022015). Collection method: clinical testing. Allele origin: germline.
Comment: This variant, c.473_475del, results in the deletion of 1 amino acid(s) of the MYO7A protein (p.Gly158del), but otherwise preserves the integrity of the reading frame. This variant is not present in population databases (ExAC no frequency). This variant has been observed in individual(s) with clinical features of Usher syndrome (Invitae). Experimental studies and prediction algorithms are not available or were not evaluated, and the functional significance of this variant is currently unknown. In summary, the available evidence is currently insufficient to determine the role of this variant in disease. Therefore, it has been classified as a Variant of Uncertain Significance.